The following is an entry in ClinVar:

NM_020433.5(JPH2):c.1712T>C (p.Val571Ala)

Gene: JPH2 (junctophilin 2; minus strand). Cytogenetic location: 20q13.12.
Variant type: single nucleotide variant.
Coding change: c.1712T>C on transcript NM_020433.5 (MANE Select); coding-DNA position 1712, T replaced by C.
Protein change: p.Val571Ala; replaces valine 571 with alanine.
Molecular consequence: missense variant.
Genome position (GRCh38, 1-based): chr20:44,115,963, A>G on the plus strand (T>C on the coding strand, the complement: JPH2 is on the minus strand). VCF-style: chr20-44115963-A-G. GRCh37 (hg19) VCF-style: chr20-42744603-A-G.
Other names: short protein forms V571A.
Identifiers: ClinVar variation 3014926 (VCV003014926.4), dbSNP rs2072187674, ClinGen allele CA409100074.

ClinVar aggregate classification (germline): Uncertain significance. Review status: criteria provided, multiple submitters, no conflicts (2 of 4 stars). 2 submissions from 2 submitters: Uncertain significance (2). Last evaluated 2025-01-28.

Conditions:
Hypertrophic cardiomyopathy. Also called: HYPERTROPHIC MYOCARDIOPATHY. Identifiers: Orphanet 217569, MedGen C0007194, MeSH D002312, MONDO:0005045, HP:0001639.
Cardiovascular phenotype. Identifiers: MedGen CN230736.

Submissions (2):

Ambry Genetics
Classification: Uncertain significance for Cardiovascular phenotype. Last evaluated: 2025-01-28. Review status: criteria provided, single submitter. Criteria: Ambry Variant Classification Scheme 2023. Collection method: clinical testing. Allele origin: germline.
Comment: The p.V571A variant (also known as c.1712T>C), located in coding exon 4 of the JPH2 gene, results from a T to C substitution at nucleotide position 1712. The valine at codon 571 is replaced by alanine, an amino acid with similar properties. This amino acid position is conserved. In addition, this alteration is predicted to be tolerated by in silico analysis. Based on the available evidence, the clinical significance of this variant remains unclear.

Labcorp Genetics (formerly Invitae), Labcorp
Classification: Uncertain significance for Hypertrophic cardiomyopathy. Last evaluated: 2023-10-29. Review status: criteria provided, single submitter. Criteria: Invitae Variant Classification Sherloc (09022015). Collection method: clinical testing. Allele origin: germline.
Comment: This sequence change replaces valine, which is neutral and non-polar, with alanine, which is neutral and non-polar, at codon 571 of the JPH2 protein (p.Val571Ala). This variant is not present in population databases (gnomAD no frequency). This variant has not been reported in the literature in individuals affected with JPH2-related conditions. An algorithm developed to predict the effect of missense changes on protein structure and function (PolyPhen-2) suggests that this variant is likely to be tolerated. In summary, the available evidence is currently insufficient to determine the role of this variant in disease. Therefore, it has been classified as a Variant of Uncertain Significance.